The following is an entry in ClinVar:

ClinVar aggregate classification (germline): Uncertain significance (1 of 4 stars; one submission).

Submission:

GeneDx
Classification: Uncertain significance. Last evaluated: 2024-12-31. Review status: criteria provided, single submitter. Criteria: GeneDx Variant Classification Process June 2021. Collection method: clinical testing. Allele origin: germline. Affected: yes.
Comment: Not observed at significant frequency in large population cohorts (gnomAD); In silico analysis indicates that this missense variant does not alter protein structure/function; Has not been previously published as pathogenic or benign to our knowledge

NM_016333.4(SRRM2):c.6980C>A (p.Ser2327Tyr)

Gene: SRRM2 (serine/arginine repetitive matrix 2; plus strand). Cytogenetic location: 16p13.3.
Variant type: single nucleotide variant.
Coding change: c.6980C>A on transcript NM_016333.4 (MANE Select); coding-DNA position 6980, C replaced by A.
Protein change: p.Ser2327Tyr; replaces serine 2327 with tyrosine.
Molecular consequence: missense variant.
Genome position (GRCh38, 1-based): chr16:2,767,508, C>A. VCF-style: chr16-2767508-C-A. GRCh37 (hg19) VCF-style: chr16-2817509-C-A.
Other names: short protein forms S2327Y.
Identifiers: ClinVar variation 3908024 (VCV003908024.1).